The following is an entry in ClinVar:

ClinVar aggregate classification (germline): Uncertain significance (1 of 4 stars; one submission).

gnomAD v4.1: 1 of 1,594,236 alleles (0.000063%); highest among the groups gnomAD compares: Non-Finnish European, 0.000086%; no homozygotes.

Submission:

Labcorp Genetics (formerly Invitae), Labcorp
Classification: Uncertain significance. Last evaluated: 2023-06-24. Review status: criteria provided, single submitter. Criteria: Invitae Variant Classification Sherloc (09022015). Collection method: clinical testing. Allele origin: germline.
Comment: An algorithm developed to predict the effect of missense changes on protein structure and function (PolyPhen-2) suggests that this variant is likely to be tolerated. This variant is not present in population databases (gnomAD no frequency). This variant has not been reported in the literature in individuals affected with CACNA1D-related conditions. ClinVar contains an entry for this variant (Variation ID: 2120084). Algorithms developed to predict the effect of sequence changes on RNA splicing suggest that this variant may disrupt the consensus splice site. In summary, the available evidence is currently insufficient to determine the role of this variant in disease. Therefore, it has been classified as a Variant of Uncertain Significance. This sequence change replaces lysine, which is basic and polar, with glutamic acid, which is acidic and polar, at codon 1700 of the CACNA1D protein (p.Lys1700Glu).

NM_001128840.3(CACNA1D):c.5038A>G (p.Lys1680Glu)

Gene: CACNA1D (calcium voltage-gated channel subunit alpha1 D; plus strand). Cytogenetic location: 3p21.1.
Variant type: single nucleotide variant.
Coding change: c.5038A>G on transcript NM_001128840.3 (MANE Select); coding-DNA position 5038, A replaced by G.
Protein change: p.Lys1680Glu; replaces lysine 1680 with glutamic acid.
Molecular consequence: missense variant.
Genome position (GRCh38, 1-based): chr3:53,800,363, A>G. VCF-style: chr3-53800363-A-G. GRCh37 (hg19) VCF-style: chr3-53834390-A-G.
Other names: c.5098A>G, p.Lys1700Glu (NM_000720.4); c.4993A>G, p.Lys1665Glu (NM_001128839.3); short protein forms K1680E, K1665E, K1700E.
Identifiers: ClinVar variation 2120084 (VCV002120084.4), dbSNP rs771850056, ClinGen allele CA353249736.